The following is an entry in ClinVar:

NM_000179.3(MSH6):c.179dup (p.Leu60fs)

Gene: MSH6 (mutS homolog 6; plus strand). Cytogenetic location: 2p16.3.
Variant type: Duplication.
Coding change: c.179dup on transcript NM_000179.3 (MANE Select); coding-DNA position 179, one base duplicated (T; older notation c.179dupT).
Protein change: p.Leu60fs; shifts the reading frame from leucine 60.
Molecular consequence: frameshift variant. On other transcripts: 5 prime UTR variant (7), non-coding transcript variant (5), intron variant (5).
Genome position (GRCh38, 1-based): chr2:47,783,412, T duplicated; the last of 2 consecutive T bases (chr2:47,783,411-47,783,412); duplicating either gives the same sequence. VCF-style (leftmost placement, unchanged base first): chr2-47783410-C-CT. GRCh37 (hg19) VCF-style: chr2-48010549-C-CT.
Other names: c.179dup, p.Leu60fs (NM_001281492.2, NM_001406795.1, NM_001406796.1 and 9 more transcripts); c.-558dup (NM_001281493.2, NM_001406811.1); c.-150dup (NM_001406799.1); c.124dup, p.Trp42fs (NM_001406804.1); c.-750dup (NM_001406807.1); c.-405dup (NM_001406812.1); c.-816dup (NM_001406814.1); c.-361dup (NM_001406816.1); and 3 more; short protein forms L60fs, W42fs.
Identifiers: ClinVar variation 2673728 (VCV002673728.1), dbSNP rs2530320822, ClinGen allele CA2695200729.

ClinVar aggregate classification (germline): Pathogenic (1 of 4 stars; one submission).

Conditions:
Lynch syndrome 5 (LYNCH5). Also called: Colorectal cancer, hereditary nonpolyposis, type 5; Hereditary non-polyposis colorectal cancer, type 5. Identifiers: Orphanet 144, MedGen C1833477, MONDO:0013710, OMIM 614350. Disease mechanism: loss of function.

Submission:

Myriad Genetics, Inc.
Classification: Pathogenic for Lynch syndrome 5. Last evaluated: 2023-08-09. Review status: criteria provided, single submitter. Criteria: Myriad Autosomal Dominant, Autosomal Recessive and X-Linked Classification Criteria (2023). Collection method: clinical testing. Allele origin: unknown.
Comment: This variant is considered pathogenic. This variant creates a frameshift predicted to result in premature protein truncation.